The following is an entry in ClinVar:

NM_000051.4(ATM):c.3285-8G>C

Gene: ATM (ATM serine/threonine kinase; plus strand). Cytogenetic location: 11q22.3.
Variant type: single nucleotide variant.
Coding change: c.3285-8G>C on transcript NM_000051.4 (MANE Select); 8 bases into the intron before coding-DNA position 3285, G replaced by C.
Molecular consequence: intron variant.
Genome position (GRCh38, 1-based): chr11:108,279,483, G>C. VCF-style: chr11-108279483-G-C. GRCh37 (hg19) VCF-style: chr11-108150210-G-C.
Other names: c.3285-8G>C (NM_001351834.2).
Identifiers: ClinVar variation 845259 (VCV000845259.8), dbSNP rs1469259085, ClinGen allele CA916079953.

ClinVar aggregate classification (germline): Likely benign. Review status: criteria provided, multiple submitters, no conflicts (2 of 4 stars). 2 submissions from 2 submitters: Likely benign (2). Last evaluated 2024-05-14.

Conditions:
Familial cancer of breast. Also called: hereditary breast carcinoma; BREAST CANCER, FAMILIAL; Hereditary breast cancer. Identifiers: Orphanet 227535, MedGen C0346153, MONDO:0016419, OMIM 114480. Disease mechanism: loss of function.
Ataxia-telangiectasia syndrome (AT). Also called: Ataxia-telangiectasia, complementation group D; AT, COMPLEMENTATION GROUP C; Ataxia telangiectasia (A-T); Cerebello-oculocutaneous telangiectasia; Immunodeficiency with ataxia telangiectasia; Ataxia-telangiectasia. Identifiers: Orphanet 100, MedGen C0004135, MONDO:0008840, OMIM 208900.

Submissions (2):

Myriad Genetics, Inc.
Classification: Likely benign for Familial cancer of breast. Last evaluated: 2024-05-14. Review status: criteria provided, single submitter. Criteria: Myriad Autosomal Dominant, Autosomal Recessive and X-Linked Classification Criteria (2023). Collection method: clinical testing. Allele origin: unknown.
Comment: This variant is considered likely benign. This variant is intronic and is not expected to impact mRNA splicing.

Labcorp Genetics (formerly Invitae), Labcorp
Classification: Likely benign for Ataxia-telangiectasia syndrome. Last evaluated: 2024-02-17. Review status: criteria provided, single submitter. Criteria: Invitae Variant Classification Sherloc (09022015). Collection method: clinical testing. Allele origin: germline.